The following is an entry in ClinVar:

NM_021830.5(TWNK):c.1357C>T (p.Arg453Trp)

Gene: TWNK (twinkle mtDNA helicase; plus strand). Cytogenetic location: 10q24.31.
Variant type: single nucleotide variant.
Coding change: c.1357C>T on transcript NM_021830.5 (MANE Select); coding-DNA position 1357, C replaced by T.
Protein change: p.Arg453Trp; replaces arginine 453 with tryptophan.
Molecular consequence: missense variant. On other transcripts: 5 prime UTR variant (3), non-coding transcript variant (5).
Genome position (GRCh38, 1-based): chr10:100,989,757, C>T. VCF-style: chr10-100989757-C-T. GRCh37 (hg19) VCF-style: chr10-102749514-C-T.
Other names: c.1357C>T, p.Arg453Trp (NM_001163812.2); c.-6C>T (NM_001163813.2, NM_001163814.2, NM_001368275.1); short protein forms R453W.
Identifiers: ClinVar variation 418602 (VCV000418602.6), dbSNP rs572114433, ClinGen allele CA5653217.

ClinVar aggregate classification (germline): Uncertain significance. Review status: criteria provided, multiple submitters, no conflicts (2 of 4 stars). 2 submissions from 2 submitters: Uncertain significance (2). Last evaluated 2025-02-28.

Allele frequency attached by ClinVar (database versions not stated): gnomAD exomes 0.00001 and 0.00002; ExAC 0.00002; TOPMed 0.00002.

Submissions (2):

Labcorp Genetics (formerly Invitae), Labcorp
Classification: Uncertain significance. Last evaluated: 2025-02-28. Review status: criteria provided, single submitter. Criteria: Invitae Variant Classification Sherloc (09022015). Collection method: clinical testing. Allele origin: germline.
Comment: This sequence change replaces arginine, which is basic and polar, with tryptophan, which is neutral and slightly polar, at codon 453 of the TWNK protein (p.Arg453Trp). This variant is present in population databases (rs572114433, gnomAD 0.006%). This variant has not been reported in the literature in individuals affected with TWNK-related conditions. ClinVar contains an entry for this variant (Variation ID: 418602). Invitae Evidence Modeling of protein sequence and biophysical properties (such as structural, functional, and spatial information, amino acid conservation, physicochemical variation, residue mobility, and thermodynamic stability) indicates that this missense variant is expected to disrupt TWNK protein function with a positive predictive value of 95%. In summary, the available evidence is currently insufficient to determine the role of this variant in disease. Therefore, it has been classified as a Variant of Uncertain Significance.

GeneDx
Classification: Uncertain significance. Last evaluated: 2019-09-23. Review status: criteria provided, single submitter. Criteria: GeneDx Variant Classification Process June 2021. Collection method: clinical testing. Allele origin: germline. Affected: yes.
Comment: In silico analysis, which includes protein predictors and evolutionary conservation, supports a deleterious effect; Has not been previously published as pathogenic or benign to our knowledge